The following is an entry in ClinVar:

NM_001367624.2(ZNF469):c.9087C>T (p.Asp3029=)

Gene: ZNF469 (zinc finger protein 469; plus strand). Cytogenetic location: 16q24.2.
Variant type: single nucleotide variant.
Coding change: c.9087C>T on transcript NM_001367624.2 (MANE Select); coding-DNA position 9087, C replaced by T.
Protein change: p.Asp3029=; no amino-acid change (aspartic acid 3029 retained).
Molecular consequence: synonymous variant.
Genome position (GRCh38, 1-based): chr16:88,436,557, C>T. VCF-style: chr16-88436557-C-T. GRCh37 (hg19) VCF-style: chr16-88502965-C-T.
Other names: NM_001127464.1:c.9003C>T.
Identifiers: ClinVar variation 512803 (VCV000512803.11), dbSNP rs780843955, ClinGen allele CA8225407.

ClinVar aggregate classification (germline): Likely benign. Review status: criteria provided, multiple submitters, no conflicts (2 of 4 stars). 4 submissions from 4 submitters: Likely benign (4). Last evaluated 2026-01-13.

Conditions:
Cardiovascular phenotype. Identifiers: MedGen CN230736.

Allele frequency attached by ClinVar (database versions not stated): ExAC below 0.00001; gnomAD exomes 0.00003; gnomAD 0.00006; TOPMed 0.00009.
gnomAD v4.1: 34 of 1,549,678 alleles (0.0022%); highest among the groups gnomAD compares: East Asian, 0.0098%; no homozygotes.

Submissions (4):

Women's Health and Genetics/Laboratory Corporation of America, LabCorp
Classification: Likely benign. Last evaluated: 2026-01-13. Review status: criteria provided, single submitter. Criteria: LabCorp Variant Classification Summary - May 2015. Collection method: clinical testing. Allele origin: germline.

Labcorp Genetics (formerly Invitae), Labcorp
Classification: Likely benign. Last evaluated: 2025-06-14. Review status: criteria provided, single submitter. Criteria: Invitae Variant Classification Sherloc (09022015). Collection method: clinical testing. Allele origin: germline.

Ambry Genetics
Classification: Likely benign for Cardiovascular phenotype. Last evaluated: 2022-07-06. Review status: criteria provided, single submitter. Criteria: Ambry Variant Classification Scheme 2023. Collection method: clinical testing. Allele origin: germline.

GeneDx
Classification: Likely benign. Last evaluated: 2017-10-23. Review status: criteria provided, single submitter. Criteria: GeneDx Variant Classification (06012015). Collection method: clinical testing. Allele origin: germline. Affected: yes.
Comment: This variant is considered likely benign or benign based on one or more of the following criteria: it is a conservative change, it occurs at a poorly conserved position in the protein, it is predicted to be benign by multiple in silico algorithms, and/or has population frequency not consistent with disease.